The following is an entry in ClinVar:

NM_014249.4(NR2E3):c.572-2A>C

Gene: NR2E3 (nuclear receptor subfamily 2 group E member 3; plus strand). Cytogenetic location: 15q23.
Variant type: single nucleotide variant.
Coding change: c.572-2A>C on transcript NM_014249.4 (MANE Select); the canonical splice acceptor site of the intron before coding-DNA position 572, A replaced by C.
Molecular consequence: splice acceptor variant.
Genome position (GRCh38, 1-based): chr15:71,812,334, A>C. VCF-style: chr15-71812334-A-C. GRCh37 (hg19) VCF-style: chr15-72104674-A-C.
Other names: c.572-2A>C (NM_016346.4).
Identifiers: ClinVar variation 1067320 (VCV001067320.8), dbSNP rs1567160201, ClinGen allele CA393034994.

ClinVar aggregate classification (germline): Likely pathogenic. Review status: criteria provided, single submitter (1 of 4 stars). 2 submissions from 2 submitters: Likely pathogenic (1). 1 of the submissions does not count toward it. Last evaluated 2025-09-08.

Conditions:
Enhanced S-cone syndrome (ESCS). Identifiers: Orphanet 53540, MedGen C1849394, MONDO:0100288, MONDO:0009989.

Allele frequency attached by ClinVar (database versions not stated): gnomAD exomes below 0.00001.
gnomAD v4.1: 2 of 1,613,470 alleles (0.00012%); highest among the groups gnomAD compares: African/African-American, 0.0027%; no homozygotes.

Submissions (2):

Labcorp Genetics (formerly Invitae), Labcorp
Classification: Likely pathogenic. Last evaluated: 2025-09-08. Review status: criteria provided, single submitter. Criteria: Invitae Variant Classification Sherloc (09022015). Collection method: clinical testing. Allele origin: germline.
Comment: This sequence change affects an acceptor splice site in intron 4 of the NR2E3 gene. It is expected to disrupt RNA splicing. Variants that disrupt the donor or acceptor splice site typically lead to a loss of protein function (PMID: 16199547), and loss-of-function variants in NR2E3 are known to be pathogenic (PMID: 15459973, 27522502). This variant is not present in population databases (gnomAD no frequency). This variant has not been reported in the literature in individuals affected with NR2E3-related conditions. ClinVar contains an entry for this variant (Variation ID: 1067320). Algorithms developed to predict the effect of sequence changes on RNA splicing suggest that this variant may disrupt the consensus splice site. In summary, the currently available evidence indicates that the variant is pathogenic, but additional data are needed to prove that conclusively. Therefore, this variant has been classified as Likely Pathogenic.

Natera, Inc.
Classification: Likely pathogenic for Enhanced S cone syndrome. Last evaluated: 2020-11-06. Review status: no assertion criteria provided. Collection method: clinical testing. Allele origin: germline. Not counted in ClinVar's aggregate classification.

Literature cited by the submitters: PubMed 16199547 (cited by Labcorp Genetics (formerly Invitae), Labcorp); PubMed 15459973 (cited by Labcorp Genetics (formerly Invitae), Labcorp); PubMed 27522502 (cited by Labcorp Genetics (formerly Invitae), Labcorp).